The following is an entry in ClinVar:

NM_000152.5(GAA):c.1587del (p.Glu530fs)

Gene: GAA (alpha glucosidase; plus strand). Cytogenetic location: 17q25.3.
Variant type: Deletion.
Coding change: c.1587del on transcript NM_000152.5 (MANE Select); coding-DNA position 1587, one base deleted (T; older notation c.1587delT).
Protein change: p.Glu530fs; shifts the reading frame from glutamic acid 530.
Molecular consequence: frameshift variant.
Genome position (GRCh38, 1-based): chr17:80,110,976, T deleted. VCF-style (leftmost placement, unchanged base first): chr17-80110975-CT-C. GRCh37 (hg19) VCF-style: chr17-78084774-CT-C.
Other names: c.1587del, p.Glu530fs (NM_001079803.3, NM_001079804.3, NM_001406741.1 and 1 more transcripts); short protein forms E530fs.
Identifiers: ClinVar variation 2737266 (VCV002737266.3), dbSNP rs2510374858, ClinGen allele CA2697555227.

ClinVar aggregate classification (germline): Pathogenic (1 of 4 stars; one submission).

Conditions:
Glycogen storage disease, type II (IOPD). Also called: CARDIOMEGALIA GLYCOGENICA DIFFUSA; Pompe Disease; Glycogen storage disease type 2; Acid maltase deficiency disease; Aglucosidase alfa; Deficiency of alpha-glucosidase. Identifiers: Orphanet 365, MedGen C0017921, MONDO:0009290, OMIM 232300.

Submission:

Labcorp Genetics (formerly Invitae), Labcorp
Classification: Pathogenic for Glycogen storage disease, type II. Last evaluated: 2023-07-07. Review status: criteria provided, single submitter. Criteria: Invitae Variant Classification Sherloc (09022015). Collection method: clinical testing. Allele origin: germline.
Comment: For these reasons, this variant has been classified as Pathogenic. This variant has not been reported in the literature in individuals affected with GAA-related conditions. This variant is not present in population databases (gnomAD no frequency). This sequence change creates a premature translational stop signal (p.Glu530Argfs*48) in the GAA gene. It is expected to result in an absent or disrupted protein product. Loss-of-function variants in GAA are known to be pathogenic (PMID: 18425781, 22252923).

Literature cited by the submitters: PubMed 18425781; PubMed 22252923.